The following is an entry in ClinVar:

NM_004006.3(DMD):c.3612A>T (p.Lys1204Asn)

Gene: DMD (dystrophin; minus strand). Cytogenetic location: Xp21.1.
Variant type: single nucleotide variant.
Coding change: c.3612A>T on transcript NM_004006.3 (MANE Select); coding-DNA position 3612, A replaced by T.
Protein change: p.Lys1204Asn; replaces lysine 1204 with asparagine.
Molecular consequence: missense variant.
Genome position (GRCh38, 1-based): chrX:32,448,630, T>A on the plus strand (A>T on the coding strand, the complement: DMD is on the minus strand). VCF-style: chrX-32448630-T-A. GRCh37 (hg19) VCF-style: chrX-32466747-T-A.
Other names: c.3588A>T, p.Lys1196Asn (NM_000109.4); c.3600A>T, p.Lys1200Asn (NM_004009.3); c.3243A>T, p.Lys1081Asn (NM_004010.3); short protein forms K1200N, K1204N, K1081N, K1196N.
Identifiers: ClinVar variation 2565102 (VCV002565102.5), dbSNP rs769985775, ClinGen allele CA412662396.

ClinVar aggregate classification (germline): Uncertain significance. Review status: criteria provided, multiple submitters, no conflicts (2 of 4 stars). 2 submissions from 2 submitters: Uncertain significance (2). Last evaluated 2023-09-11.

Conditions:
Cardiovascular phenotype. Identifiers: MedGen CN230736.
Duchenne muscular dystrophy (DMD). Also called: Duchenne Muscular Dystrophy (DMD); MUSCULAR DYSTROPHY, PSEUDOHYPERTROPHIC PROGRESSIVE, DUCHENNE TYPE. Identifiers: Orphanet 98896, MedGen C0013264, MONDO:0010679, OMIM 310200.

Submissions (2):

Labcorp Genetics (formerly Invitae), Labcorp
Classification: Uncertain significance for Duchenne muscular dystrophy. Last evaluated: 2023-09-11. Review status: criteria provided, single submitter. Criteria: Invitae Variant Classification Sherloc (09022015). Collection method: clinical testing. Allele origin: germline.
Comment: In summary, the available evidence is currently insufficient to determine the role of this variant in disease. Therefore, it has been classified as a Variant of Uncertain Significance. Advanced modeling of protein sequence and biophysical properties (such as structural, functional, and spatial information, amino acid conservation, physicochemical variation, residue mobility, and thermodynamic stability) performed at Invitae indicates that this missense variant is not expected to disrupt DMD protein function. ClinVar contains an entry for this variant (Variation ID: 2565102). This variant has not been reported in the literature in individuals affected with DMD-related conditions. This variant is not present in population databases (gnomAD no frequency). This sequence change replaces lysine, which is basic and polar, with asparagine, which is neutral and polar, at codon 1204 of the DMD protein (p.Lys1204Asn).

Ambry Genetics
Classification: Uncertain significance for Cardiovascular phenotype. Last evaluated: 2023-05-23. Review status: criteria provided, single submitter. Criteria: Ambry Variant Classification Scheme 2023. Collection method: clinical testing. Allele origin: germline.
Comment: The p.K1204N variant (also known as c.3612A>T), located in coding exon 27 of the DMD gene, results from an A to T substitution at nucleotide position 3612. The lysine at codon 1204 is replaced by asparagine, an amino acid with similar properties. This amino acid position is not well conserved in available vertebrate species. In addition, this alteration is predicted to be tolerated by in silico analysis. Since supporting evidence is limited at this time, the clinical significance of this alteration remains unclear.